The following is an entry in ClinVar:

NM_001267550.2(TTN):c.89760A>C (p.Glu29920Asp)

Genes: TTN-AS1 (TTN antisense RNA 1; plus strand), TTN (titin; minus strand). Cytogenetic location: 2q31.2.
Variant type: single nucleotide variant.
Coding change: c.89760A>C on transcript NM_001267550.2 (MANE Select); coding-DNA position 89760, A replaced by C.
Protein change: p.Glu29920Asp; replaces glutamic acid 29920 with aspartic acid.
Molecular consequence: missense variant.
Genome position (GRCh38, 1-based): chr2:178,553,140, T>G on the plus strand (A>C on the coding strand, the complement: TTN is on the minus strand). VCF-style: chr2-178553140-T-G. GRCh37 (hg19) VCF-style: chr2-179417867-T-G.
Other names: c.84837A>C, p.Glu28279Asp (NM_001256850.1); c.62565A>C, p.Glu20855Asp (NM_003319.4); c.82056A>C, p.Glu27352Asp (NM_133378.4); c.62940A>C, p.Glu20980Asp (NM_133432.3); c.63141A>C, p.Glu21047Asp (NM_133437.4); c.89760A>C (LRG_391t1); short protein forms E27352D, E29920D, E20855D, E21047D, E20980D, E28279D.
Identifiers: ClinVar variation 499307 (VCV000499307.16), dbSNP rs747181293, ClinGen allele CA1987872.

ClinVar aggregate classification (germline): Conflicting classifications of pathogenicity. Review status: criteria provided, conflicting classifications (1 of 4 stars). 7 submissions from 7 submitters: Uncertain significance (6); Likely benign (1). Last evaluated 2026-04-29.

Conditions:
TTN-related disorder. Also called: TTN-related condition; TTN-related disease; TTN-related disorders.
Dilated cardiomyopathy 1G (CMD1G). Identifiers: Orphanet 154, MedGen C1858763, MONDO:0011400, OMIM 604145.
Autosomal recessive limb-girdle muscular dystrophy type 2J (LGMDR10). Also called: Limb-girdle muscular dystrophy, type 2J; MUSCULAR DYSTROPHY, LIMB-GIRDLE, AUTOSOMAL RECESSIVE 10. Identifiers: Orphanet 140922, MedGen C1837342, MONDO:0012127, OMIM 608807.

Allele frequency attached by ClinVar (database versions not stated): gnomAD exomes 0.00004 and 0.00008; gnomAD 0.00005; TOPMed 0.00008; ExAC 0.00010.
gnomAD v4.1: 66 of 1,612,760 alleles (0.0041%); highest among the groups gnomAD compares: Admixed American, 0.037%; no homozygotes.

Submissions (7):

PreventionGenetics, part of Exact Sciences
Classification: Uncertain significance for TTN-related condition. Last evaluated: 2026-04-29. Review status: criteria provided, single submitter. Criteria: ACMG Guidelines, 2015. Collection method: clinical testing. Allele origin: germline.
Comment: The TTN c.89760A>C variant is predicted to result in the amino acid substitution p.Glu29920Asp. To our knowledge, this variant has not been reported in the literature. This variant is reported in 0.044% of alleles in individuals of Latino descent in gnomAD. At this time, the clinical significance of this variant is uncertain due to the absence of conclusive functional and genetic evidence.

Clinical Genomics Laboratory, Washington University in St. Louis
Classification: Uncertain significance for Dilated cardiomyopathy 1G. Last evaluated: 2025-05-13. Review status: criteria provided, single submitter. Criteria: ACMG Guidelines, 2015. Collection method: clinical testing. Allele origin: germline.
Comment: The TTN c.89760A>C (p.Glu29920Asp) variant, to our knowledge, has not been reported in the medical literature. This variant has been been reported in the ClinVar database as a variant of uncertain significance by four submitters and as likely benign by one submitter in the germline state (ClinVar Variation ID: 499307). It has been observed in 20/248,254 alleles in the general population (gnomAD v.2.1.1). Computational predictors suggest that the variant does not impact titin function. This variant is present in the N2BA/N2B cardiac long isoform. This is a missense variant located in the A-band that binds myosin and myosin-binding protein stabilizes the thick filament. This exon has a high percentage/proportion spliced-in (PSI > 0.9), meaning it is a highly expressed exon incorporated into either the N2B or N2BA isoforms (Vatta M et al., PMID: 39968638). Truncating variants in exons with high PSI, mainly in the A-band and distal I-band, have stronger evidence of pathogenicity and are associated with dilated cardiomyopathy (DCM) (Roberts AM et al., PMID: 25589632; Schafer et al., PMID: 27869827). Due to conflicting information, and based on ACMG/AMP guidelines for variant interpretation (Richards S et al., PMID: 25741868), the clinical significance of the TTN c.89760A>C (p.Glu29920Asp) variant is uncertain at this time.

Revvity Omics, Revvity
Classification: Uncertain significance. Last evaluated: 2024-03-05. Review status: criteria provided, single submitter. Criteria: ACMG Guidelines, 2015. Collection method: clinical testing. Allele origin: germline.

Athena Diagnostics
Classification: Uncertain significance. Last evaluated: 2023-06-27. Review status: criteria provided, single submitter. Criteria: Athena Diagnostics Criteria. Collection method: clinical testing. Allele origin: unknown.
Comment: Available data are insufficient to determine the clinical significance of the variant at this time. The frequency of this variant in the general population is higher than would generally be expected for pathogenic variants in this gene. Computational tools predict that this variant is not damaging.

GeneDx
Classification: Likely benign. Last evaluated: 2018-05-17. Review status: criteria provided, single submitter. Criteria: GeneDx Variant Classification (06012015). Collection method: clinical testing. Allele origin: germline. Affected: yes.
Comment: This variant is considered likely benign or benign based on one or more of the following criteria: it is a conservative change, it occurs at a poorly conserved position in the protein, it is predicted to be benign by multiple in silico algorithms, and/or has population frequency not consistent with disease.

Labcorp Genetics (formerly Invitae), Labcorp
Classification: Uncertain significance for Dilated cardiomyopathy 1G; Autosomal recessive limb-girdle muscular dystrophy type 2J. Last evaluated: 2017-11-30. Review status: criteria provided, single submitter. Criteria: Invitae Variant Classification Sherloc (09022015). Collection method: clinical testing. Allele origin: germline.

Eurofins Ntd Llc (ga)
Classification: Uncertain significance. Last evaluated: 2017-09-14. Review status: criteria provided, single submitter. Criteria: EGL Classification Definitions 2015. Collection method: clinical testing. Allele origin: germline. Observed: 2 variant alleles, 2 heterozygotes.